The following is an entry in ClinVar:

ClinVar aggregate classification (germline): Uncertain significance (1 of 4 stars; one submission).

Conditions:
Inborn genetic diseases. Identifiers: MedGen C0950123, MeSH D030342.

Submission:

Ambry Genetics
Classification: Uncertain significance for Inborn genetic diseases. Last evaluated: 2024-08-16. Review status: criteria provided, single submitter. Criteria: Ambry Variant Classification Scheme 2023. Collection method: clinical testing. Allele origin: germline.
Comment: The p.S1141P variant (also known as c.3421T>C), located in coding exon 17 of the ATR gene, results from a T to C substitution at nucleotide position 3421. The serine at codon 1141 is replaced by proline, an amino acid with similar properties. This amino acid position is conserved. In addition, the in silico prediction for this alteration is inconclusive. Since supporting evidence is limited at this time, the clinical significance of this alteration remains unclear.

NM_001184.4(ATR):c.3421T>C (p.Ser1141Pro)

Gene: ATR (ATR checkpoint kinase; minus strand). Cytogenetic location: 3q23.
Variant type: single nucleotide variant.
Coding change: c.3421T>C on transcript NM_001184.4 (MANE Select); coding-DNA position 3421, T replaced by C.
Protein change: p.Ser1141Pro; replaces serine 1141 with proline.
Molecular consequence: missense variant.
Genome position (GRCh38, 1-based): chr3:142,542,694, A>G on the plus strand (T>C on the coding strand, the complement: ATR is on the minus strand). VCF-style: chr3-142542694-A-G. GRCh37 (hg19) VCF-style: chr3-142261536-A-G.
Other names: c.3229T>C, p.Ser1077Pro (NM_001354579.2); short protein forms S1077P, S1141P.
Identifiers: ClinVar variation 1731279 (VCV001731279.3), dbSNP rs2473336045, ClinGen allele CA354809219.